The following is an entry in ClinVar:

NM_032638.5(GATA2):c.655G>A (p.Glu219Lys)

Gene: GATA2 (GATA binding protein 2; minus strand). Cytogenetic location: 3q21.3.
Variant type: single nucleotide variant.
Coding change: c.655G>A on transcript NM_032638.5 (MANE Select); coding-DNA position 655, G replaced by A.
Protein change: p.Glu219Lys; replaces glutamic acid 219 with lysine.
Molecular consequence: missense variant.
Genome position (GRCh38, 1-based): chr3:128,485,943, C>T on the plus strand (G>A on the coding strand, the complement: GATA2 is on the minus strand). VCF-style: chr3-128485943-C-T. GRCh37 (hg19) VCF-style: chr3-128204786-C-T.
Other names: c.655G>A, p.Glu219Lys (NM_001145661.2, NM_001145662.1); short protein forms E219K.
Identifiers: ClinVar variation 4028504 (VCV004028504.1).

ClinVar aggregate classification (germline): Uncertain significance (1 of 4 stars; one submission).

Conditions:
Inborn genetic diseases. Identifiers: MedGen C0950123, MeSH D030342.

Submission:

Ambry Genetics
Classification: Uncertain significance for Inborn genetic diseases. Last evaluated: 2025-05-16. Review status: criteria provided, single submitter. Criteria: Ambry Variant Classification Scheme 2023. Collection method: clinical testing. Allele origin: germline.
Comment: The p.E219K variant (also known as c.655G>A), located in coding exon 2 of the GATA2 gene, results from a G to A substitution at nucleotide position 655. The glutamic acid at codon 219 is replaced by lysine, an amino acid with similar properties. This amino acid position is conserved. In addition, the in silico prediction for this alteration is inconclusive. Based on the available evidence, the clinical significance of this variant remains unclear.